The following is an entry in ClinVar:

NM_001377540.1(SLMAP):c.1754G>A (p.Ser585Asn)

Gene: SLMAP (sarcolemma associated protein; plus strand). Cytogenetic location: 3p14.3.
Variant type: single nucleotide variant.
Coding change: c.1754G>A on transcript NM_001377540.1 (MANE Select); coding-DNA position 1754, G replaced by A.
Protein change: p.Ser585Asn; replaces serine 585 with asparagine.
Molecular consequence: missense variant. On other transcripts: non-coding transcript variant (1).
Genome position (GRCh38, 1-based): chr3:57,912,435, G>A. VCF-style: chr3-57912435-G-A. GRCh37 (hg19) VCF-style: chr3-57898162-G-A.
Other names: c.1703G>A, p.Ser568Asn (NM_001304420.3, NM_001377541.1, NM_001377542.1); c.1589G>A, p.Ser530Asn (NM_001304421.2, NM_001377557.1, NM_001377559.1); c.305G>A, p.Ser102Asn (NM_001304422.3, NM_001311178.2); c.107G>A, p.Ser36Asn (NM_001304423.3); c.182G>A, p.Ser61Asn (NM_001311179.2, NM_001377926.1, NM_001377927.1 and 1 more transcripts); c.1775G>A, p.Ser592Asn (NM_001377538.1); c.1754G>A, p.Ser585Asn (NM_001377539.1); c.1691G>A, p.Ser564Asn (NM_001377545.1); and 8 more; short protein forms S36N, S506N, S61N, S489N, S527N, S544N, S568N, S510N.
Identifiers: ClinVar variation 4169933 (VCV004169933.1).

ClinVar aggregate classification (germline): Uncertain significance (1 of 4 stars; one submission).

Submission:

Ambry Genetics
Classification: Uncertain significance. Last evaluated: 2025-08-19. Review status: criteria provided, single submitter. Criteria: Ambry Variant Classification Scheme 2023. Collection method: clinical testing. Allele origin: germline.
Comment: The p.S551N variant (also known as c.1652G>A), located in coding exon 17 of the SLMAP gene, results from a G to A substitution at nucleotide position 1652. The serine at codon 551 is replaced by asparagine, an amino acid with highly similar properties. This amino acid position is conserved. In addition, this alteration is predicted to be tolerated by in silico analysis. Based on the available evidence, the clinical significance of this variant remains unclear.